The following is an entry in ClinVar:

ClinVar aggregate classification (germline): Pathogenic (1 of 4 stars; one submission).

Conditions:
Hereditary cancer-predisposing syndrome. Also called: Neoplastic Syndromes, Hereditary; Tumor predisposition; Hereditary Cancer Syndrome; Hereditary neoplastic syndrome. Identifiers: Orphanet 140162, MedGen C0027672, MeSH D009386, MONDO:0015356.

Submission:

Ambry Genetics
Classification: Pathogenic for Hereditary cancer-predisposing syndrome. Last evaluated: 2026-01-13. Review status: criteria provided, single submitter. Criteria: Ambry Variant Classification Scheme 2023. Collection method: clinical testing. Allele origin: germline.
Comment: The c.980_984delGACTTins24 pathogenic mutation, located in coding exon 4 of the BARD1 gene, results from the deletion of 5 nucleotides and insertion of 24 nucleotides causing a translational frameshift with a predicted alternate stop codon (p.R327Tfs*2). This alteration is expected to result in loss of function by premature protein truncation or nonsense-mediated mRNA decay. As such, this alteration is interpreted as a disease-causing mutation.

NM_000465.4(BARD1):c.980_984delinsCTTAGAATCCACAAAACTTAGAAA (p.Arg327_Leu328delinsThrTer)

Gene: BARD1 (BRCA1 associated RING domain 1; minus strand). Cytogenetic location: 2q35.
Variant type: Indel.
Coding change: c.980_984delinsCTTAGAATCCACAAAACTTAGAAA on transcript NM_000465.4 (MANE Select); coding-DNA positions 980 to 984, GACTT replaced by CTTAGAATCCACAAAACTTAGAAA.
Protein change: p.Arg327_Leu328delinsThrTer.
Molecular consequence: nonsense. On other transcripts: non-coding transcript variant (2), intron variant (3).
Genome position (GRCh38, 1-based): chr2:214,780,890-214,780,894, AAGTC replaced by TTTCTAAGTTTTGTGGATTCTAAG on the plus strand (GACTT replaced by CTTAGAATCCACAAAACTTAGAAA on the coding strand, the reverse complement: BARD1 is on the minus strand). VCF-style: chr2-214780890-AAGTC-TTTCTAAGTTTTGTGGATTCTAAG. GRCh37 (hg19) VCF-style: chr2-215645614-AAGTC-TTTCTAAGTTTTGTGGATTCTAAG.
Other names: c.923_927delinsCTTAGAATCCACAAAACTTAGAAA, p.Arg308_Leu309delinsThrTer (NM_001282543.2); c.159-28339_159-28335delinsCTTAGAATCCACAAAACTTAGAAA (NM_001282548.2); c.215+16167_215+16171delinsCTTAGAATCCACAAAACTTAGAAA (NM_001282545.2); c.364+11403_364+11407delinsCTTAGAATCCACAAAACTTAGAAA (NM_001282549.2).
Identifiers: ClinVar variation 4842593 (VCV004842593.1).